The following is an entry in ClinVar:

ClinVar aggregate classification (germline): Conflicting classifications of pathogenicity. Review status: criteria provided, conflicting classifications (1 of 4 stars). 3 submissions from 3 submitters: Uncertain significance (2); Likely benign (1). Last evaluated 2025-11-18.

Conditions:
Hereditary cancer-predisposing syndrome. Also called: Tumor predisposition; Neoplastic Syndromes, Hereditary; Hereditary Cancer Syndrome; Hereditary neoplastic syndrome. Identifiers: Orphanet 140162, MedGen C0027672, MeSH D009386, MONDO:0015356.
Neuroblastoma, susceptibility to, 3. Also called: ALK-Related Neuroblastic Tumor Susceptibility. Identifiers: Orphanet 635, MedGen C2751681, MONDO:0013083, OMIM 613014.

Allele frequency attached by ClinVar (database versions not stated): gnomAD 0.00001 and 0.00005; ExAC 0.00002; TOPMed 0.00003; 1000 Genomes Project 30x 0.00062; 1000 Genomes Project 0.00080.
gnomAD v4.1: 16 of 1,614,270 alleles (0.00099%); highest among the groups gnomAD compares: African/African-American, 0.016%; no homozygotes.

Submissions (3):

Labcorp Genetics (formerly Invitae), Labcorp
Classification: Uncertain significance for Neuroblastoma, susceptibility to, 3. Last evaluated: 2025-11-18. Review status: criteria provided, single submitter. Criteria: Invitae Variant Classification Sherloc (09022015). Collection method: clinical testing. Allele origin: germline.
Comment: This sequence change replaces aspartic acid, which is acidic and polar, with asparagine, which is neutral and polar, at codon 854 of the ALK protein (p.Asp854Asn). This variant is present in population databases (rs189078025, gnomAD 0.03%). This variant has not been reported in the literature in individuals affected with ALK-related conditions. ClinVar contains an entry for this variant (Variation ID: 404350). An algorithm developed to predict the effect of missense changes on protein structure and function (PolyPhen-2) suggests that this variant is likely to be tolerated. In summary, the available evidence is currently insufficient to determine the role of this variant in disease. Therefore, it has been classified as a Variant of Uncertain Significance.

Baylor Genetics
Classification: Uncertain significance for Neuroblastoma, susceptibility to, 3. Last evaluated: 2024-02-05. Review status: criteria provided, single submitter. Criteria: ACMG Guidelines, 2015. Collection method: clinical testing. Allele origin: unknown.

Ambry Genetics
Classification: Likely benign for Hereditary cancer-predisposing syndrome. Last evaluated: 2022-10-03. Review status: criteria provided, single submitter. Criteria: Ambry Variant Classification Scheme 2023. Collection method: clinical testing. Allele origin: germline.

NM_004304.5(ALK):c.2560G>A (p.Asp854Asn)

Gene: ALK (ALK receptor tyrosine kinase; minus strand). Cytogenetic location: 2p23.2.
Variant type: single nucleotide variant.
Coding change: c.2560G>A on transcript NM_004304.5 (MANE Select); coding-DNA position 2560, G replaced by A.
Protein change: p.Asp854Asn; replaces aspartic acid 854 with asparagine.
Molecular consequence: missense variant.
Genome position (GRCh38, 1-based): chr2:29,232,376, C>T on the plus strand (G>A on the coding strand, the complement: ALK is on the minus strand). VCF-style: chr2-29232376-C-T. GRCh37 (hg19) VCF-style: chr2-29455242-C-T.
Other names: short protein forms D854N.
Identifiers: ClinVar variation 404350 (VCV000404350.12), dbSNP rs189078025, ClinGen allele CA1594263.